The following is an entry in ClinVar:

NM_000135.4(FANCA):c.446T>C (p.Leu149Ser)

Gene: FANCA (FA complementation group A; minus strand). Cytogenetic location: 16q24.3.
Variant type: single nucleotide variant.
Coding change: c.446T>C on transcript NM_000135.4 (MANE Select); coding-DNA position 446, T replaced by C.
Protein change: p.Leu149Ser; replaces leucine 149 with serine.
Molecular consequence: missense variant. On other transcripts: intron variant (1).
Genome position (GRCh38, 1-based): chr16:89,810,783, A>G on the plus strand (T>C on the coding strand, the complement: FANCA is on the minus strand). VCF-style: chr16-89810783-A-G. GRCh37 (hg19) VCF-style: chr16-89877191-A-G.
Other names: c.446T>C, p.Leu149Ser (NM_001018112.3, NM_001286167.3); c.426+146T>C (NM_001351830.2); short protein forms L149S.
Identifiers: ClinVar variation 3848264 (VCV003848264.1).

ClinVar aggregate classification (germline): Uncertain significance (1 of 4 stars; one submission).

Conditions:
Inborn genetic diseases. Identifiers: MedGen C0950123, MeSH D030342.

gnomAD v4.1: 1 of 1,613,408 alleles (0.000062%); highest among the groups gnomAD compares: Non-Finnish European, 0.000085%; no homozygotes.

Submission:

Ambry Genetics
Classification: Uncertain significance for Inborn genetic diseases. Last evaluated: 2025-02-25. Review status: criteria provided, single submitter. Criteria: Ambry Variant Classification Scheme 2023. Collection method: clinical testing. Allele origin: germline.
Comment: The p.L149S variant (also known as c.446T>C), located in coding exon 5 of the FANCA gene, results from a T to C substitution at nucleotide position 446. The leucine at codon 149 is replaced by serine, an amino acid with dissimilar properties. This amino acid position is conserved. In addition, the in silico prediction for this alteration is inconclusive. Based on the available evidence, the clinical significance of this variant remains unclear.